The following is an entry in ClinVar:

ClinVar aggregate classification (germline): Uncertain significance. Review status: criteria provided, multiple submitters, no conflicts (2 of 4 stars). 3 submissions from 3 submitters: Uncertain significance (3). Last evaluated 2025-02-23.

Conditions:
Inborn genetic diseases. Identifiers: MedGen C0950123, MeSH D030342.
Epidermolysis bullosa simplex with nail dystrophy (EBS5D). Identifiers: MedGen C4225309, MONDO:0014661, OMIM 616487.
Epidermolysis bullosa simplex 5B, with muscular dystrophy (EBS5B). Also called: EPIDERMOLYSIS BULLOSA SIMPLEX AND LIMB-GIRDLE MUSCULAR DYSTROPHY; Epidermolysis bullosa simplex with muscular dystrophy. Identifiers: Orphanet 257, MedGen C2931072, MONDO:0009181, OMIM 226670.
Epidermolysis bullosa simplex, Ogna type (EBS5A). Also called: Pidermolysis bullosa simplex 5A, Ogna type; EPIDERMOLYSIS BULLOSA SIMPLEX 5A, OGNA TYPE. Identifiers: Orphanet 79401, MedGen C0432317, MONDO:0007555, OMIM 131950.
Autosomal recessive limb-girdle muscular dystrophy type 2Q (LGMDR17). Also called: MUSCULAR DYSTROPHY, LIMB-GIRDLE, AUTOSOMAL RECESSIVE 17. Identifiers: Orphanet 254361, MedGen C3150989, MONDO:0013390, OMIM 613723.
Epidermolysis bullosa simplex 5C, with pyloric atresia (EBS5C). Also called: PLEC-Related Epidermolysis Bullosa with Pyloric Atresia; Epidermolysis bullosa simplex with pyloric atresia; PLEC1-Related Epidermolysis Bullosa with Pyloric Atresia. Identifiers: Orphanet 158684, MedGen C2677349, MONDO:0012807, OMIM 612138.

Allele frequency attached by ClinVar (database versions not stated): gnomAD 0.00006 and 0.00007; 1000 Genomes Project 30x 0.00031; TOPMed 0.00007; 1000 Genomes Project 0.00020.
gnomAD v4.1: 83 of 1,598,150 alleles (0.0052%); highest among the groups gnomAD compares: East Asian, 0.011%; no homozygotes.

Submissions (3):

Labcorp Genetics (formerly Invitae), Labcorp
Classification: Uncertain significance for Autosomal recessive limb-girdle muscular dystrophy type 2Q; Epidermolysis bullosa simplex, Ogna type; Epidermolysis bullosa simplex with nail dystrophy; Epidermolysis bullosa simplex 5C, with pyloric atresia; Epidermolysis bullosa simplex 5B, with muscular dystrophy. Last evaluated: 2025-02-23. Review status: criteria provided, single submitter. Criteria: Invitae Variant Classification Sherloc (09022015). Collection method: clinical testing. Allele origin: germline.
Comment: This sequence change replaces arginine, which is basic and polar, with glutamine, which is neutral and polar, at codon 2633 of the PLEC protein (p.Arg2633Gln). This variant is present in population databases (rs544874132, gnomAD 0.02%). This variant has not been reported in the literature in individuals affected with PLEC-related conditions. ClinVar contains an entry for this variant (Variation ID: 538918). Invitae Evidence Modeling of protein sequence and biophysical properties (such as structural, functional, and spatial information, amino acid conservation, physicochemical variation, residue mobility, and thermodynamic stability) indicates that this missense variant is not expected to disrupt PLEC protein function with a negative predictive value of 80%. In summary, the available evidence is currently insufficient to determine the role of this variant in disease. Therefore, it has been classified as a Variant of Uncertain Significance.

Ambry Genetics
Classification: Uncertain significance for Inborn genetic diseases. Last evaluated: 2021-11-08. Review status: criteria provided, single submitter. Criteria: Ambry Variant Classification Scheme 2023. Collection method: clinical testing. Allele origin: germline.

Revvity Omics, Revvity
Classification: Uncertain significance. Last evaluated: 2019-10-28. Review status: criteria provided, single submitter. Criteria: ACMG Guidelines, 2015. Collection method: clinical testing. Allele origin: germline.

NM_201384.3(PLEC):c.7817G>A (p.Arg2606Gln)

Gene: PLEC (plectin; minus strand). Cytogenetic location: 8q24.3.
Variant type: single nucleotide variant.
Coding change: c.7817G>A on transcript NM_201384.3 (MANE Select); coding-DNA position 7817, G replaced by A.
Protein change: p.Arg2606Gln; replaces arginine 2606 with glutamine.
Molecular consequence: missense variant.
Genome position (GRCh38, 1-based): chr8:143,922,004, C>T on the plus strand (G>A on the coding strand, the complement: PLEC is on the minus strand). VCF-style: chr8-143922004-C-T. GRCh37 (hg19) VCF-style: chr8-144996172-C-T.
Other names: c.7898G>A, p.Arg2633Gln (NM_000445.5); c.7775G>A, p.Arg2592Gln (NM_201378.4); c.7751G>A, p.Arg2584Gln (NM_201379.3); c.8228G>A, p.Arg2743Gln (NM_201380.4); c.7721G>A, p.Arg2574Gln (NM_201381.3); c.7817G>A, p.Arg2606Gln (NM_201382.4); c.7829G>A, p.Arg2610Gln (NM_201383.3); c.7898G>A (NM_000445.3); short protein forms R2610Q, R2633Q, R2606Q, R2574Q, R2584Q, R2592Q, R2743Q.
Identifiers: ClinVar variation 538918 (VCV000538918.9), dbSNP rs544874132, ClinGen allele CA4925511.
Genomic context (GRCh38, chr8:143,922,004, plus strand): 5'-AGGGTCTTTGTGGCAGCCACCTGCGAGGCAGTGACCTCCTCTGAGTGCGCCAGCGCGGCC[C>T]GGTGCTGCTCCTCCAGGAGCTGCAGCTGCTCACGCAGCCTCTGGTTCTCCTCAGCCAGCA-3'
Protein context (NP_958786.1, residues 2596-2616): EQLQLLEEQH[Arg2606Gln]AALAHSEEVT